The following is an entry in ClinVar:

ClinVar aggregate classification (germline): Uncertain significance. Review status: criteria provided, multiple submitters, no conflicts (2 of 4 stars). 2 submissions from 2 submitters: Uncertain significance (2). Last evaluated 2023-10-20.

Conditions:
Microcephaly 3, primary, autosomal recessive. Identifiers: Orphanet 2512, MedGen C1858108, MONDO:0011488, OMIM 604804.

Allele frequency attached by ClinVar (database versions not stated): gnomAD 0.00001 and 0.00003; TOPMed 0.00002; ExAC 0.00010; 1000 Genomes Project 30x 0.00016; 1000 Genomes Project 0.00020.
gnomAD v4.1: 26 of 1,614,130 alleles (0.0016%); highest among the groups gnomAD compares: East Asian, 0.056%; no homozygotes.

Submissions (2):

GeneDx
Classification: Uncertain significance. Last evaluated: 2023-10-20. Review status: criteria provided, single submitter. Criteria: GeneDx Variant Classification Process June 2021. Collection method: clinical testing. Allele origin: germline. Affected: yes.
Comment: In silico analysis supports that this missense variant has a deleterious effect on protein structure/function; Has not been previously published as pathogenic or benign to our knowledge

Genetic Services Laboratory, University of Chicago
Classification: Uncertain significance for Microcephaly 3, primary, autosomal recessive. Last evaluated: 2013-12-06. Review status: criteria provided, single submitter. Criteria: ACMG Guidelines, 2007. Collection method: clinical testing. Allele origin: germline. Inheritance: Autosomal recessive inheritance.

NM_018249.6(CDK5RAP2):c.5413C>T (p.Leu1805Phe)

Gene: CDK5RAP2 (CDK5 regulatory subunit associated protein 2; minus strand). Cytogenetic location: 9q33.2.
Variant type: single nucleotide variant.
Coding change: c.5413C>T on transcript NM_018249.6 (MANE Select); coding-DNA position 5413, C replaced by T.
Protein change: p.Leu1805Phe; replaces leucine 1805 with phenylalanine.
Molecular consequence: missense variant. On other transcripts: non-coding transcript variant (5).
Genome position (GRCh38, 1-based): chr9:120,400,780, G>A on the plus strand (C>T on the coding strand, the complement: CDK5RAP2 is on the minus strand). VCF-style: chr9-120400780-G-A. GRCh37 (hg19) VCF-style: chr9-123163058-G-A.
Other names: c.5176C>T, p.Leu1726Phe (NM_001011649.3); c.4723C>T, p.Leu1575Phe (NM_001272039.2); short protein forms L1805F, L1575F, L1726F.
Identifiers: ClinVar variation 158161 (VCV000158161.9), dbSNP rs545543130, ClinGen allele CA271237.